The following is an entry in ClinVar:

ClinVar aggregate classification (germline): Likely benign. Review status: criteria provided, multiple submitters, no conflicts (2 of 4 stars). 7 submissions from 7 submitters: Likely benign (6). 1 of the submissions does not count toward it. Last evaluated 2025-09-19.

Conditions:
RYR2-related disorder. Also called: RYR2-related condition.
Cardiovascular phenotype. Identifiers: MedGen CN230736.
Catecholaminergic polymorphic ventricular tachycardia (CVPT). Also called: Catecholamine-induced polymorphic ventricular tachycardia. Identifiers: Orphanet 3286, MedGen C5574922, MONDO:0017990.
Cardiomyopathy (CMYO). Also called: Cardiomyopathies. Identifiers: Orphanet 167848, MedGen C0878544, MONDO:0004994, HP:0001638. Inheritance: Various modes of inheritance.
Catecholaminergic polymorphic ventricular tachycardia 1. Also called: RYR2-Related Catecholaminergic Polymorphic Ventricular Tachycardia; VENTRICULAR TACHYCARDIA, STRESS-INDUCED POLYMORPHIC 1; VENTRICULAR TACHYCARDIA, CATECHOLAMINERGIC POLYMORPHIC, 1, WITH OR WITHOUT ATRIAL DYSFUNCTION AND/OR DILATED CARDIOMYOPATHY. Identifiers: Orphanet 3286, MedGen C1631597, MONDO:0011484, OMIM 604772.

Allele frequency attached by ClinVar (database versions not stated): gnomAD 0.00001; gnomAD exomes 0.00001; TOPMed 0.00003.
gnomAD v4.1: 16 of 1,546,760 alleles (0.001%); highest among the groups gnomAD compares: African/African-American, 0.0042%; no homozygotes.

Submissions (7):

Labcorp Genetics (formerly Invitae), Labcorp
Classification: Likely benign for Catecholaminergic polymorphic ventricular tachycardia 1. Last evaluated: 2025-09-19. Review status: criteria provided, single submitter. Criteria: Invitae Variant Classification Sherloc (09022015). Collection method: clinical testing. Allele origin: germline.

All of Us Research Program, National Institutes of Health
Classification: Likely benign for Catecholaminergic polymorphic ventricular tachycardia. Last evaluated: 2023-10-06. Review status: criteria provided, single submitter. Criteria: ACMG Guidelines, 2015. Collection method: clinical testing. Allele origin: germline. Inheritance: Autosomal dominant inheritance. Observed: 6 variant alleles, 6 heterozygotes.
Comment: This study involves interpretation of variants in research participants for the purpose of population health screening. Participant phenotype was not available at the time of variant classification. Additional details can be found in publication PMID: 35346344, PMCID: PMC8962531

Women's Health and Genetics/Laboratory Corporation of America, LabCorp
Classification: Likely benign. Last evaluated: 2022-11-28. Review status: criteria provided, single submitter. Criteria: LabCorp Variant Classification Summary - May 2015. Collection method: clinical testing. Allele origin: germline.
Comment: Variant summary: RYR2 c.8287T>C alters a non-conserved nucleotide resulting in a synonymous change. 4/4 computational tools predict no significant impact on normal splicing. However, these predictions have yet to be confirmed by functional studies. The variant allele was found at a frequency of 9.6e-06 in 208480 control chromosomes (gnomAD). The available data on variant occurrences in the general population are insufficient to allow any conclusion about variant significance. To our knowledge, no occurrence of c.8287T>C in individuals affected with Catecholaminergic Polymorphic Ventricular Tachycardia and no experimental evidence demonstrating its impact on protein function have been reported. Co-occurrences with other pathogenic variant (internal testing) have been reported (KCNH2 c.2587C>T, p.R863*), providing supporting evidence for a benign role. Three clinical diagnostic laboratories have submitted clinical-significance assessments for this variant to ClinVar after 2014 and all classified the variant as likely benign. Based on the evidence outlined above, the variant was classified as likely benign.

Ambry Genetics
Classification: Likely benign for Cardiovascular phenotype. Last evaluated: 2020-03-11. Review status: criteria provided, single submitter. Criteria: Ambry Variant Classification Scheme 2023. Collection method: clinical testing. Allele origin: germline.

Color Diagnostics, LLC DBA Color Health
Classification: Likely benign for Cardiomyopathy. Last evaluated: 2018-11-25. Review status: criteria provided, single submitter. Criteria: ACMG Guidelines, 2015. Collection method: clinical testing. Allele origin: germline.

GeneDx
Classification: Likely benign. Last evaluated: 2016-11-21. Review status: criteria provided, single submitter. Criteria: GeneDx Variant Classification (06012015). Collection method: clinical testing. Allele origin: germline. Affected: yes.
Comment: This variant is considered likely benign or benign based on one or more of the following criteria: it is a conservative change, it occurs at a poorly conserved position in the protein, it is predicted to be benign by multiple in silico algorithms, and/or has population frequency not consistent with disease.

PreventionGenetics, part of Exact Sciences
Classification: Likely benign for RYR2-related condition. Last evaluated: 2022-03-22. Review status: no assertion criteria provided. Collection method: clinical testing. Allele origin: germline. Not counted in ClinVar's aggregate classification.
Comment: This variant is classified as likely benign based on ACMG/AMP sequence variant interpretation guidelines (Richards et al. 2015 PMID: 25741868, with internal and published modifications).

NM_001035.3(RYR2):c.8287T>C (p.Leu2763=)

Gene: RYR2 (ryanodine receptor 2; plus strand). Cytogenetic location: 1q43.
Variant type: single nucleotide variant.
Coding change: c.8287T>C on transcript NM_001035.3 (MANE Select); coding-DNA position 8287, T replaced by C.
Protein change: p.Leu2763=; no amino-acid change (leucine 2763 retained).
Molecular consequence: synonymous variant.
Genome position (GRCh38, 1-based): chr1:237,660,063, T>C. VCF-style: chr1-237660063-T-C. GRCh37 (hg19) VCF-style: chr1-237823363-T-C.
Other names: c.8287T>C, p.Leu2763= (LRG_402t1).
Identifiers: ClinVar variation 380604 (VCV000380604.21), dbSNP rs1057520868, ClinGen allele CA16603635.